The following is an entry in ClinVar:

NM_016132.5(MYEF2):c.*1799T>A

Genes: MYEF2 (myelin expression factor 2; minus strand), SLC24A5 (solute carrier family 24 member 5; plus strand). Cytogenetic location: 15q21.1.
Variant type: single nucleotide variant.
Coding change: c.*1799T>A on transcript NM_016132.5 (MANE Select); 1799 bases downstream of the stop codon, T replaced by A.
Molecular consequence: 3 prime UTR variant. On other transcripts: intron variant (1).
Genome position (GRCh38, 1-based): chr15:48,141,109, A>T on the plus strand (T>A on the coding strand, the complement: MYEF2 is on the minus strand). VCF-style: chr15-48141109-A-T. GRCh37 (hg19) VCF-style: chr15-48433306-A-T.
Other names: c.*1799T>A (NM_001301210.2); c.1079-4A>T (NM_205850.3).
Identifiers: ClinVar variation 263272 (VCV000263272.42), dbSNP rs76547866, ClinGen allele CA7546047.

ClinVar aggregate classification (germline): Benign. Review status: criteria provided, multiple submitters, no conflicts (2 of 4 stars). 4 submissions from 4 submitters: Benign (4). Last evaluated 2026-02-01.

Allele frequency attached by ClinVar (database versions not stated): 1000 Genomes Project 0.00300; 1000 Genomes Project 30x 0.00359; ExAC 0.00729; gnomAD exomes 0.00763 and 0.01515; TOPMed 0.00849; gnomAD 0.00853 and 0.00870; ESP Exome Variant Server 0.01070.
gnomAD v4.1: 23,115 of 1,606,334 alleles (1.4%); highest among the groups gnomAD compares: Non-Finnish European, 1.8%; 224 homozygotes.

Submissions (4):

Labcorp Genetics (formerly Invitae), Labcorp
Classification: Benign. Last evaluated: 2026-02-01. Review status: criteria provided, single submitter. Criteria: Invitae Variant Classification Sherloc (09022015). Collection method: clinical testing. Allele origin: germline.

CeGaT Center for Human Genetics Tuebingen
Classification: Benign. Last evaluated: 2023-02-01. Review status: criteria provided, single submitter. Criteria: CeGaT Center For Human Genetics Tuebingen Variant Classification Criteria Version 2. Collection method: clinical testing. Allele origin: germline. Affected: yes. Observed: 2 variant alleles.
Comment: MYEF2: BS1, BS2; SLC24A5: BP4, BS1, BS2

Breakthrough Genomics
Classification: Benign. Review status: criteria provided, single submitter. Criteria: ACMG Guidelines, 2015. Collection method: not provided. Allele origin: germline. Inheritance: Autosomal recessive inheritance. Affected: yes.

PreventionGenetics, part of Exact Sciences
Classification: Benign. Review status: criteria provided, single submitter. Criteria: ACMG Guidelines, 2015. Collection method: clinical testing. Allele origin: germline.